The following is an entry in ClinVar:

NM_001701.4(BAAT):c.331G>C (p.Glu111Gln)

Gene: BAAT (bile acid-CoA:amino acid N-acyltransferase; minus strand). Cytogenetic location: 9q31.1.
Variant type: single nucleotide variant.
Coding change: c.331G>C on transcript NM_001701.4 (MANE Select); coding-DNA position 331, G replaced by C.
Protein change: p.Glu111Gln; replaces glutamic acid 111 with glutamine.
Molecular consequence: missense variant.
Genome position (GRCh38, 1-based): chr9:101,371,074, C>G on the plus strand (G>C on the coding strand, the complement: BAAT is on the minus strand). VCF-style: chr9-101371074-C-G. GRCh37 (hg19) VCF-style: chr9-104133356-C-G.
Other names: c.331G>C, p.Glu111Gln (NM_001127610.2, NM_001374715.1); short protein forms E111Q.
Identifiers: ClinVar variation 4699863 (VCV004699863.1).

ClinVar aggregate classification (germline): Uncertain significance (1 of 4 stars; one submission).

gnomAD v4.1: 3 of 1,613,956 alleles (0.00019%); highest among the groups gnomAD compares: Middle Eastern, 0.016%; no homozygotes.

Submission:

Labcorp Genetics (formerly Invitae), Labcorp
Classification: Uncertain significance. Last evaluated: 2025-05-23. Review status: criteria provided, single submitter. Criteria: Invitae Variant Classification Sherloc (09022015). Collection method: clinical testing. Allele origin: germline.
Comment: This sequence change replaces glutamic acid, which is acidic and polar, with glutamine, which is neutral and polar, at codon 111 of the BAAT protein (p.Glu111Gln). This variant is present in population databases (no rsID available, gnomAD 0.01%). This variant has not been reported in the literature in individuals affected with BAAT-related conditions. Invitae Evidence Modeling of protein sequence and biophysical properties (such as structural, functional, and spatial information, amino acid conservation, physicochemical variation, residue mobility, and thermodynamic stability) indicates that this missense variant is not expected to disrupt BAAT protein function with a negative predictive value of 80%. Algorithms developed to predict the effect of sequence changes on RNA splicing suggest that this variant may create or strengthen a splice site. In summary, the available evidence is currently insufficient to determine the role of this variant in disease. Therefore, it has been classified as a Variant of Uncertain Significance.